The following is an entry in ClinVar:

ClinVar aggregate classification (germline): Uncertain significance. Review status: criteria provided, multiple submitters, no conflicts (2 of 4 stars). 2 submissions from 2 submitters: Uncertain significance (2). Last evaluated 2026-01-21.

Allele frequency attached by ClinVar (database versions not stated): gnomAD 0.00002; TOPMed 0.00004; ExAC 0.00007; ESP Exome Variant Server 0.00008; gnomAD exomes 0.00010.
gnomAD v4.1: 79 of 1,613,852 alleles (0.0049%); highest among the groups gnomAD compares: Non-Finnish European, 0.0017%; no homozygotes.

Submissions (2):

Labcorp Genetics (formerly Invitae), Labcorp
Classification: Uncertain significance. Last evaluated: 2026-01-21. Review status: criteria provided, single submitter. Criteria: Invitae Variant Classification Sherloc (09022015). Collection method: clinical testing. Allele origin: germline.
Comment: This sequence change replaces proline, which is neutral and non-polar, with leucine, which is neutral and non-polar, at codon 193 of the C1S protein (p.Pro193Leu). This variant is present in population databases (rs199916072, gnomAD 0.2%). This variant has not been reported in the literature in individuals affected with C1S-related conditions. ClinVar contains an entry for this variant (Variation ID: 1450855). Invitae Evidence Modeling of protein sequence and biophysical properties (such as structural, functional, and spatial information, amino acid conservation, physicochemical variation, residue mobility, and thermodynamic stability) indicates that this missense variant is expected to disrupt C1S protein function with a positive predictive value of 80%. In summary, the available evidence is currently insufficient to determine the role of this variant in disease. Therefore, it has been classified as a Variant of Uncertain Significance.

CeGaT Center for Human Genetics Tuebingen
Classification: Uncertain significance. Last evaluated: 2022-09-01. Review status: criteria provided, single submitter. Criteria: CeGaT Center For Human Genetics Tuebingen Variant Classification Criteria Version 2. Collection method: clinical testing. Allele origin: germline. Affected: yes. Observed: 1 variant allele.

NM_001734.5(C1S):c.578C>T (p.Pro193Leu)

Gene: C1S (complement C1s; plus strand). Cytogenetic location: 12p13.31.
Variant type: single nucleotide variant.
Coding change: c.578C>T on transcript NM_001734.5 (MANE Select); coding-DNA position 578, C replaced by T.
Protein change: p.Pro193Leu; replaces proline 193 with leucine.
Molecular consequence: missense variant.
Genome position (GRCh38, 1-based): chr12:7,065,160, C>T. VCF-style: chr12-7065160-C-T. GRCh37 (hg19) VCF-style: chr12-7172464-C-T.
Other names: c.77C>T, p.Pro26Leu (NM_001346850.2); c.578C>T, p.Pro193Leu (NM_201442.4); short protein forms P193L, P26L.
Identifiers: ClinVar variation 1450855 (VCV001450855.31), dbSNP rs199916072, ClinGen allele CA6423502.